The following is an entry in ClinVar:

ClinVar aggregate classification (germline): Uncertain significance (1 of 4 stars; one submission).

Conditions:
Inborn genetic diseases. Identifiers: MedGen C0950123, MeSH D030342.

Submission:

Ambry Genetics
Classification: Uncertain significance for Inborn genetic diseases. Last evaluated: 2025-03-31. Review status: criteria provided, single submitter. Criteria: Ambry Variant Classification Scheme 2023. Collection method: clinical testing. Allele origin: germline.
Comment: The p.A4S variant (also known as c.10G>T), located in coding exon 1 of the GATA2 gene, results from a G to T substitution at nucleotide position 10. The alanine at codon 4 is replaced by serine, an amino acid with similar properties. This amino acid position is conserved. In addition, the in silico prediction for this alteration is inconclusive. Based on the available evidence, the clinical significance of this variant remains unclear.

NM_032638.5(GATA2):c.10G>T (p.Ala4Ser)

Gene: GATA2 (GATA binding protein 2; minus strand). Cytogenetic location: 3q21.3.
Variant type: single nucleotide variant.
Coding change: c.10G>T on transcript NM_032638.5 (MANE Select); coding-DNA position 10, G replaced by T.
Protein change: p.Ala4Ser; replaces alanine 4 with serine.
Molecular consequence: missense variant.
Genome position (GRCh38, 1-based): chr3:128,487,022, C>A on the plus strand (G>T on the coding strand, the complement: GATA2 is on the minus strand). VCF-style: chr3-128487022-C-A. GRCh37 (hg19) VCF-style: chr3-128205865-C-A.
Other names: c.10G>T, p.Ala4Ser (NM_001145661.2, NM_001145662.1); short protein forms A4S.
Identifiers: ClinVar variation 4028475 (VCV004028475.1).